The following is an entry in ClinVar:

NM_000169.3(GLA):c.826A>G (p.Ser276Gly)

Genes: GLA (galactosidase alpha; minus strand), RPL36A-HNRNPH2 (RPL36A-HNRNPH2 readthrough; plus strand). Cytogenetic location: Xq22.1.
Variant type: single nucleotide variant.
Coding change: c.826A>G on transcript NM_000169.3 (MANE Select); coding-DNA position 826, A replaced by G.
Protein change: p.Ser276Gly; replaces serine 276 with glycine.
Molecular consequence: missense variant. On other transcripts: non-coding transcript variant (3), intron variant (2).
Genome position (GRCh38, 1-based): chrX:101,398,543, T>C on the plus strand (A>G on the coding strand, the complement: GLA is on the minus strand). VCF-style: chrX-101398543-T-C. GRCh37 (hg19) VCF-style: chrX-100653531-T-C.
Other names: c.949A>G, p.Ser317Gly (NM_001406747.1); c.826A>G, p.Ser276Gly (NM_001406748.1); c.300+3086T>C (NM_001199973.2); c.177+6721T>C (NM_001199974.2); short protein forms S276G, S317G.
Identifiers: ClinVar variation 222427 (VCV000222427.21), dbSNP rs869312432, ClinGen allele CA352690.

ClinVar aggregate classification (germline): Pathogenic/Likely pathogenic. Review status: criteria provided, multiple submitters, no conflicts (2 of 4 stars). 4 submissions from 4 submitters: Pathogenic (3); Likely pathogenic (1). Last evaluated 2026-09-08.

Conditions:
Fabry disease. Also called: GLA DEFICIENCY; HEREDITARY DYSTOPIC LIPIDOSIS; Fabry's disease; Angiokeratoma corporis diffusum; Ceramide trihexosidosis; ALPHA-GALACTOSIDASE A DEFICIENCY. Identifiers: Orphanet 324, MedGen C0002986, MONDO:0010526, OMIM 301500, HP:0001071. Disease mechanism: loss of function, Fabry disease is due to inactivating mutations in the X-linked GLA gene resulting in deficiency of the enzyme Alpha Galactosidase-A..

Submissions (4):

Genomenon, Inc
Classification: Likely pathogenic for Fabry disease. Last evaluated: 2026-09-08. Review status: criteria provided, single submitter. Criteria: Genomenon Sequence Variant Interpretation Standards - Updated. Collection method: curation. Allele origin: germline. Affected: yes.
Comment: GLA p.Ser276Gly (c.826A>G) is a missense variant that changes the amino acid at codon 276 from Serine to Glycine. This variant has been observed in at least one proband with clinical features consistent with Fabry disease (PMID:26415523;27657681;16595074). At least one functional study has demonstrated a substantial alteration in protein function relative to the wild-type (PMID:32023956;21598360;31036492;26415523;27657681). It is absent or not present at a significant frequency in gnomAD. In silico models predict that this variant is possibly or probably damaging. In conclusion, we classify GLA p.Ser276Gly (c.826A>G) as a likely pathogenic variant.

Genome-Nilou Lab
Classification: Pathogenic for Fabry disease. Last evaluated: 2021-07-15. Review status: criteria provided, single submitter. Criteria: ACMG Guidelines, 2015. Collection method: clinical testing. Allele origin: germline. Affected: no.

Labcorp Genetics (formerly Invitae), Labcorp
Classification: Pathogenic for Fabry disease. Last evaluated: 2019-10-14. Review status: criteria provided, single submitter. Criteria: Invitae Variant Classification Sherloc (09022015). Collection method: clinical testing. Allele origin: germline.
Comment: For these reasons, this variant has been classified as Pathogenic. Two different missense substitutions at this codon (p.Ser276Arg, p.Ser276Asn) have been reported in individuals affected with Fabry disease (PMID: 15776423, Invitae). Experimental studies have shown that this missense change results in loss of alpha-galactosidase enzyme activity (PMID: 21598360, 19387866, 26415523). This variant has been reported in several individuals affected with Fabry disease (PMID: 21598360, 26415523). This variant is not present in population databases (ExAC no frequency). This sequence change replaces serine with glycine at codon 276 of the GLA protein (p.Ser276Gly). The serine residue is highly conserved and there is a small physicochemical difference between serine and glycine.

Eurofins Ntd Llc (ga)
Classification: Pathogenic. Last evaluated: 2017-10-16. Review status: criteria provided, single submitter. Criteria: EGL Classification Definitions 2015. Collection method: clinical testing. Allele origin: germline. Observed: 3 variant alleles, 2 heterozygotes, 1 hemizygote.

Literature cited by the submitters: PubMed 26415523 (cited by 3 submitters); PubMed 27657681 (cited by Genomenon, Inc); PubMed 16595074 (cited by Genomenon, Inc); PubMed 32023956 (cited by Genomenon, Inc); PubMed 21598360 (cited by 3 submitters); PubMed 31036492 (cited by Genomenon, Inc); PubMed 15776423 (cited by Labcorp Genetics (formerly Invitae), Labcorp); PubMed 19387866 (cited by Labcorp Genetics (formerly Invitae), Labcorp); PubMed 15712228 (cited by Eurofins Ntd Llc (ga)); PubMed 25382311 (cited by Eurofins Ntd Llc (ga)).